The following is an entry in ClinVar:

NM_001369268.1(ACAN):c.2153C>A (p.Thr718Lys)

Gene: ACAN (aggrecan; plus strand). Cytogenetic location: 15q26.1.
Variant type: single nucleotide variant.
Coding change: c.2153C>A on transcript NM_001369268.1 (MANE Select); coding-DNA position 2153, C replaced by A.
Protein change: p.Thr718Lys; replaces threonine 718 with lysine.
Molecular consequence: missense variant.
Genome position (GRCh38, 1-based): chr15:88,851,920, C>A. VCF-style: chr15-88851920-C-A. GRCh37 (hg19) VCF-style: chr15-89395151-C-A.
Other names: c.2153C>A, p.Thr718Lys (NM_001135.4, NM_013227.4); short protein forms T718K.
Identifiers: ClinVar variation 976016 (VCV000976016.3), dbSNP rs781633190, ClinGen allele CA7719807.

ClinVar aggregate classification (germline): Uncertain significance. Review status: criteria provided, multiple submitters, no conflicts (2 of 4 stars). 2 submissions from 2 submitters: Uncertain significance (2). Last evaluated 2024-12-19.

Conditions:
Osteochondritis dissecans. Identifiers: Orphanet 251262, Orphanet 2764, MedGen C0029421, MONDO:0017178, HP:0010886.

Allele frequency attached by ClinVar (database versions not stated): gnomAD 0.00001; ExAC 0.00002; gnomAD exomes 0.00002; TOPMed 0.00003.
gnomAD v4.1: 13 of 1,612,682 alleles (0.00081%); highest among the groups gnomAD compares: East Asian, 0.029%; no homozygotes.

Submissions (2):

Labcorp Genetics (formerly Invitae), Labcorp
Classification: Uncertain significance. Last evaluated: 2024-12-19. Review status: criteria provided, single submitter. Criteria: Invitae Variant Classification Sherloc (09022015). Collection method: clinical testing. Allele origin: germline.
Comment: This sequence change replaces threonine, which is neutral and polar, with lysine, which is basic and polar, at codon 718 of the ACAN protein (p.Thr718Lys). This variant is present in population databases (rs781633190, gnomAD 0.04%). This missense change has been observed in individual(s) with familial short stature (PMID: 35330881). ClinVar contains an entry for this variant (Variation ID: 976016). Invitae Evidence Modeling of protein sequence and biophysical properties (such as structural, functional, and spatial information, amino acid conservation, physicochemical variation, residue mobility, and thermodynamic stability) indicates that this missense variant is not expected to disrupt ACAN protein function with a negative predictive value of 80%. In summary, the available evidence is currently insufficient to determine the role of this variant in disease. Therefore, it has been classified as a Variant of Uncertain Significance.

Institute of Human Genetics, University of Leipzig Medical Center
Classification: Uncertain significance for Short stature and advanced bone age, with or without early-onset osteoarthritis and/or osteochondritis dissecans. Last evaluated: 2019-11-28. Review status: criteria provided, single submitter. Criteria: ACMG Guidelines, 2015. Collection method: clinical testing. Allele origin: de novo. Affected: yes. Observed: 1 variant allele.

Literature cited by the submitters: PubMed 35330881 (cited by Labcorp Genetics (formerly Invitae), Labcorp).